The following is an entry in ClinVar:

NM_004958.4(MTOR):c.898T>C (p.Cys300Arg)

Gene: MTOR (mechanistic target of rapamycin kinase; minus strand). Cytogenetic location: 1p36.22.
Variant type: single nucleotide variant.
Coding change: c.898T>C on transcript NM_004958.4 (MANE Select); coding-DNA position 898, T replaced by C.
Protein change: p.Cys300Arg; replaces cysteine 300 with arginine.
Molecular consequence: missense variant.
Genome position (GRCh38, 1-based): chr1:11,248,037, A>G on the plus strand (T>C on the coding strand, the complement: MTOR is on the minus strand). VCF-style: chr1-11248037-A-G. GRCh37 (hg19) VCF-style: chr1-11308094-A-G.
Other names: short protein forms C300R.
Identifiers: ClinVar variation 952086 (VCV000952086.8), dbSNP rs1649078417, ClinGen allele CA338400527.

ClinVar aggregate classification (germline): Uncertain significance. Review status: criteria provided, multiple submitters, no conflicts (2 of 4 stars). 2 submissions from 2 submitters: Uncertain significance (2). Last evaluated 2025-03-31.

Conditions:
Inborn genetic diseases. Identifiers: MedGen C0950123, MeSH D030342.

Allele frequency attached by ClinVar (database versions not stated): TOPMed below 0.00001; gnomAD 0.00001.
gnomAD v4.1: 1 of 1,614,002 alleles (0.000062%); highest among the groups gnomAD compares: Admixed American, 0.0017%; no homozygotes.

Submissions (2):

Labcorp Genetics (formerly Invitae), Labcorp
Classification: Uncertain significance. Last evaluated: 2025-03-31. Review status: criteria provided, single submitter. Criteria: Invitae Variant Classification Sherloc (09022015). Collection method: clinical testing. Allele origin: germline.
Comment: This sequence change replaces cysteine, which is neutral and slightly polar, with arginine, which is basic and polar, at codon 300 of the MTOR protein (p.Cys300Arg). This variant is not present in population databases (gnomAD no frequency). This variant has not been reported in the literature in individuals affected with MTOR-related conditions. ClinVar contains an entry for this variant (Variation ID: 952086). Invitae Evidence Modeling of protein sequence and biophysical properties (such as structural, functional, and spatial information, amino acid conservation, physicochemical variation, residue mobility, and thermodynamic stability) indicates that this missense variant is not expected to disrupt MTOR protein function with a negative predictive value of 95%. In summary, the available evidence is currently insufficient to determine the role of this variant in disease. Therefore, it has been classified as a Variant of Uncertain Significance.

Ambry Genetics
Classification: Uncertain significance for Inborn genetic diseases. Last evaluated: 2025-01-03. Review status: criteria provided, single submitter. Criteria: Ambry Variant Classification Scheme 2023. Collection method: clinical testing. Allele origin: germline.